The following is an entry in ClinVar:

NM_001386298.1(CIC):c.3525T>C (p.Asp1175=)

Gene: CIC (capicua transcriptional repressor; plus strand). Cytogenetic location: 19q13.2.
Variant type: single nucleotide variant.
Coding change: c.3525T>C on transcript NM_001386298.1 (MANE Select); coding-DNA position 3525, T replaced by C.
Protein change: p.Asp1175=; no amino-acid change (aspartic acid 1175 retained).
Molecular consequence: synonymous variant.
Genome position (GRCh38, 1-based): chr19:42,287,842, T>C. VCF-style: chr19-42287842-T-C. GRCh37 (hg19) VCF-style: chr19-42791994-T-C.
Other names: c.3525T>C, p.Asp1175= (NM_001304815.2, NM_001379480.1, NM_001379482.1); c.798T>C, p.Asp266= (NM_001379484.1, NM_001379485.1, NM_015125.5).
Identifiers: ClinVar variation 3341516 (VCV003341516.16).

ClinVar aggregate classification (germline): Benign (1 of 4 stars; one submission).

gnomAD v4.1: 20,707 of 1,613,592 alleles (1.3%); highest among the groups gnomAD compares: Non-Finnish European, 1.5%; 185 homozygotes.

Submission:

CeGaT Center for Human Genetics Tuebingen
Classification: Benign. Last evaluated: 2026-08-01. Review status: criteria provided, single submitter. Criteria: CeGaT Center For Human Genetics Tuebingen Variant Classification Criteria Version 2. Collection method: clinical testing. Allele origin: germline. Affected: yes. Observed: 38 variant alleles.
Comment: CIC: BP4, BP7, BS1, BS2